The following is an entry in ClinVar:

NM_005677.4(COLQ):c.180_182del (p.Leu61del)

Gene: COLQ (collagen like tail subunit of asymmetric acetylcholinesterase; minus strand). Cytogenetic location: 3p25.1.
Variant type: Deletion.
Coding change: c.180_182del on transcript NM_005677.4 (MANE Select); coding-DNA positions 180 to 182, 3 bases deleted (ACT; older notation c.180_182delACT).
Protein change: p.Leu61del; deletes leucine 61.
Molecular consequence: inframe deletion.
Genome position (GRCh38, 1-based): chr3:15,489,562-15,489,564, AGT deleted on the plus strand (ACT on the coding strand, the reverse complement: COLQ is on the minus strand). VCF-style (leftmost placement, unchanged base first): chr3-15489561-CAGT-C. GRCh37 (hg19) VCF-style: chr3-15531068-CAGT-C.
Other names: c.150_152del, p.Leu51del (NM_080538.2); c.180_182del, p.Leu61del (NM_080539.4); short protein forms L51del, L61del.
Identifiers: ClinVar variation 4729314 (VCV004729314.1).

ClinVar aggregate classification (germline): Uncertain significance (1 of 4 stars; one submission).

Conditions:
Congenital myasthenic syndrome 5. Identifiers: Orphanet 590, MedGen C1864233, MONDO:0011281, OMIM 603034.

Submission:

Labcorp Genetics (formerly Invitae), Labcorp
Classification: Uncertain significance for Congenital myasthenic syndrome 5. Last evaluated: 2025-10-15. Review status: criteria provided, single submitter. Criteria: Invitae Variant Classification Sherloc (09022015). Collection method: clinical testing. Allele origin: germline.
Comment: This variant, c.180_182del, results in the deletion of 1 amino acid(s) of the COLQ protein (p.Leu61del), but otherwise preserves the integrity of the reading frame. This variant is not present in population databases (gnomAD no frequency). This variant has not been reported in the literature in individuals affected with COLQ-related conditions. Experimental studies and prediction algorithms are not available or were not evaluated, and the functional significance of this variant is currently unknown. In summary, the available evidence is currently insufficient to determine the role of this variant in disease. Therefore, it has been classified as a Variant of Uncertain Significance.